The following is an entry in ClinVar:

ClinVar aggregate classification (germline): Uncertain significance (1 of 4 stars; one submission).

Conditions:
Inborn genetic diseases. Identifiers: MedGen C0950123, MeSH D030342.

Allele frequency attached by ClinVar (database versions not stated): gnomAD exomes below 0.00001; TOPMed below 0.00001; gnomAD 0.00001.
gnomAD v4.1: 2 of 1,613,866 alleles (0.00012%); highest among the groups gnomAD compares: East Asian, 0.0022%; no homozygotes.

Submission:

Ambry Genetics
Classification: Uncertain significance for Inborn genetic diseases. Last evaluated: 2020-10-14. Review status: criteria provided, single submitter. Criteria: Ambry Variant Classification Scheme 2023. Collection method: clinical testing. Allele origin: germline.
Comment: The c.712C>T (p.H238Y) alteration is located in exon 8 (coding exon 6) of the SETD5 gene. This alteration results from a C to T substitution at nucleotide position 712, causing the histidine (H) at amino acid position 238 to be replaced by a tyrosine (Y). Based on data from the Genome Aggregation Database (gnomAD), the SETD5 c.712C>T alteration was not observed, with coverage at this position. This amino acid position is not well conserved in available vertebrate species. The p.H238Y alteration is predicted to be tolerated by in silico analysis. Based on insufficient or conflicting evidence, the clinical significance of this alteration remains unclear.

NM_001080517.3(SETD5):c.712C>T (p.His238Tyr)

Gene: SETD5 (SET domain containing 5; plus strand). Cytogenetic location: 3p25.3.
Variant type: single nucleotide variant.
Coding change: c.712C>T on transcript NM_001080517.3 (MANE Select); coding-DNA position 712, C replaced by T.
Protein change: p.His238Tyr; replaces histidine 238 with tyrosine.
Molecular consequence: missense variant.
Genome position (GRCh38, 1-based): chr3:9,440,600, C>T. VCF-style: chr3-9440600-C-T. GRCh37 (hg19) VCF-style: chr3-9482284-C-T.
Other names: c.418C>T, p.His140Tyr (NM_001292043.2, NM_001349451.2); short protein forms H238Y, H140Y.
Identifiers: ClinVar variation 2227846 (VCV002227846.2), dbSNP rs1382287928, ClinGen allele CA351687730.
Genomic context (GRCh38, chr3:9,440,600, plus strand): 5'-GAAGAAGCTTTCACTAATCAGTACAGTGCAGATGTACAGAACGCGCTTGAACAACACCTA[C>T]ATTCTAGCAAGGAATTTGTGGGCAAACCTACTATTTTAGACACTATTAATAAGACTGAAT-3'
Protein context (NP_001073986.1, residues 228-248): DVQNALEQHL[His238Tyr]SSKEFVGKPT